The following is an entry in ClinVar:

NM_020937.4(FANCM):c.4406A>G (p.Asp1469Gly)

Gene: FANCM (FA complementation group M; plus strand). Cytogenetic location: 14q21.2.
Variant type: single nucleotide variant.
Coding change: c.4406A>G on transcript NM_020937.4 (MANE Select); coding-DNA position 4406, A replaced by G.
Protein change: p.Asp1469Gly; replaces aspartic acid 1469 with glycine.
Molecular consequence: missense variant.
Genome position (GRCh38, 1-based): chr14:45,183,793, A>G. VCF-style: chr14-45183793-A-G. GRCh37 (hg19) VCF-style: chr14-45652996-A-G.
Other names: c.4406A>G (NM_020937.2, NM_020937.3); c.4328A>G, p.Asp1443Gly (NM_001308133.2); short protein forms D1469G, D1443G.
Identifiers: ClinVar variation 1522729 (VCV001522729.9), dbSNP rs368457419, ClinGen allele CA7169741.
Genomic context (GRCh38, chr14:45,183,793, plus strand): 5'-ATATTTTTTTCTTATGCAAGAATTTTGTCGAATTATTATAGTCAGAATTATCATCTAGTG[A>G]TGAGAGTGAGAATTTTCCCAAACCATGTTCACAATTAGAAGACTTCAAGGTTTGTAACGG-3'
Protein context (NP_065988.1, residues 1459-1479): PINRSELSSS[Asp1469Gly]ESENFPKPCS

ClinVar aggregate classification (germline): Uncertain significance. Review status: criteria provided, multiple submitters, no conflicts (2 of 4 stars). 5 submissions from 5 submitters: Uncertain significance (5). Last evaluated 2025-10-13.

Conditions:
Fanconi anemia (FA). Also called: Fanconi's anemia. Identifiers: Orphanet 84, MedGen C0015625, MeSH D005199, MONDO:0019391.
Inborn genetic diseases. Identifiers: MedGen C0950123, MeSH D030342.

Allele frequency attached by ClinVar (database versions not stated): gnomAD exomes below 0.00001 and 0.00001; ExAC 0.00001; gnomAD 0.00004; TOPMed 0.00006; ESP Exome Variant Server 0.00008.
gnomAD v4.1: 13 of 1,608,098 alleles (0.00081%); highest among the groups gnomAD compares: African/African-American, 0.015%; no homozygotes.

Submissions (5):

Labcorp Genetics (formerly Invitae), Labcorp
Classification: Uncertain significance for Fanconi anemia. Last evaluated: 2025-10-13. Review status: criteria provided, single submitter. Criteria: Invitae Variant Classification Sherloc (09022015). Collection method: clinical testing. Allele origin: germline.
Comment: This sequence change replaces aspartic acid, which is acidic and polar, with glycine, which is neutral and non-polar, at codon 1469 of the FANCM protein (p.Asp1469Gly). This variant is present in population databases (rs368457419, gnomAD 0.02%). This variant has not been reported in the literature in individuals affected with FANCM-related conditions. ClinVar contains an entry for this variant (Variation ID: 1522729). An algorithm developed to predict the effect of missense changes on protein structure and function (PolyPhen-2) suggests that this variant is likely to be disruptive. In summary, the available evidence is currently insufficient to determine the role of this variant in disease. Therefore, it has been classified as a Variant of Uncertain Significance.

Ambry Genetics
Classification: Uncertain significance for Inborn genetic diseases. Last evaluated: 2025-09-04. Review status: criteria provided, single submitter. Criteria: Ambry Variant Classification Scheme 2023. Collection method: clinical testing. Allele origin: germline.

Quest Diagnostics Nichols Institute San Juan Capistrano
Classification: Uncertain significance. Last evaluated: 2024-02-26. Review status: criteria provided, single submitter. Criteria: Quest Diagnostics criteria. Collection method: clinical testing. Allele origin: unknown.
Comment: The FANCM c.4406A>G (p.Asp1469Gly) variant has not been reported in individuals with FANCM-related conditions in the published literature. The frequency of this variant in the general population, 0.0002 (5/24938 chromosomes (Genome Aggregation Database)), is uninformative in the assessment of its pathogenicity. Analysis of this variant using bioinformatics tools for the prediction of the effect of amino acid changes on protein structure and function yielded predictions that this variant is damaging. Additional analysis using software algorithms for the prediction of the effect of nucleotide changes on FANCM mRNA splicing yielded predictions that this variant may result in the gain of a cryptic splice site without affecting the natural splice sites. Based on the available information, we are unable to determine the clinical significance of this variant.

GeneDx
Classification: Uncertain significance. Last evaluated: 2022-10-14. Review status: criteria provided, single submitter. Criteria: GeneDx Variant Classification Process June 2021. Collection method: clinical testing. Allele origin: germline. Affected: yes.
Comment: In silico analysis supports that this missense variant has a deleterious effect on protein structure/function; In silico analysis is inconclusive as to whether the variant alters gene splicing. In the absence of RNA/functional studies, the actual effect of this sequence change is unknown.; Has not been previously published as pathogenic or benign to our knowledge

Blueprint Genetics
Classification: Uncertain significance. Last evaluated: 2022-07-18. Review status: criteria provided, single submitter. Criteria: ACMG Guidelines, 2015. Collection method: clinical testing. Allele origin: germline.